The following is an entry in ClinVar:

NM_030653.4(DDX11):c.1889_1891del (p.Arg630del)

Gene: DDX11 (DEAD/H-box helicase 11; plus strand). Cytogenetic location: 12p11.21.
Variant type: Deletion.
Coding change: c.1889_1891del on transcript NM_030653.4 (MANE Select); coding-DNA positions 1889 to 1891, 3 bases deleted (GGC; older notation c.1889_1891delGGC).
Protein change: p.Arg630del; deletes arginine 630.
Molecular consequence: inframe deletion. On other transcripts: non-coding transcript variant (4).
Genome position (GRCh38, 1-based): chr12:31,100,648-31,100,650, GGC deleted; deleting any 3 consecutive bases within chr12:31,100,647-31,100,650 gives the same sequence; the c. name uses the placement nearest the transcript's 3' end. VCF-style (leftmost placement, unchanged base first): chr12-31100646-CCGG-C. GRCh37 (hg19) VCF-style: chr12-31253580-CCGG-C.
Other names: c.1889_1891del, p.Arg630del (NM_001257144.2, NM_001413692.1, NM_004399.3 and 5 more transcripts); c.1811_1813del, p.Arg604del (NM_001257145.2, NM_001413697.1, NM_001413698.1 and 1 more transcripts); c.1028_1030del, p.Arg343del (NM_001413704.1, NM_001413705.1); c.923_925del, p.Arg308del (NM_001413706.1); c.1889_1891delGGC (NM_030653.4); c.1802_1804del, p.Arg601del (NM_001413700.1); c.1361_1363del, p.Arg454del (NM_001413702.1, NM_001413703.1); short protein forms R308del, R343del, R454del, R601del, R604del, R630del.
Identifiers: ClinVar variation 4535699 (VCV004535699.1).

ClinVar aggregate classification (germline): Uncertain significance (1 of 4 stars; one submission).

Submission:

Women's Health and Genetics/Laboratory Corporation of America, LabCorp
Classification: Uncertain significance. Last evaluated: 2025-09-05. Review status: criteria provided, single submitter. Criteria: LabCorp Variant Classification Summary - May 2015. Collection method: clinical testing. Allele origin: germline.
Comment: Variant summary: DDX11 c.1889_1891delGGC (p.Arg630del) results in an in-frame deletion that is predicted to remove a single amino acid from the encoded protein. The frequency data for this variant in gnomAD is considered unreliable, as metrics indicate poor data quality at this position. To our knowledge, no occurrence of c.1889_1891delGGC in individuals affected with DDX11-related conditions and no experimental evidence demonstrating its impact on protein function have been reported. No submitters have cited clinical-significance assessments for this variant to ClinVar. Based on the evidence outlined above, the variant was classified as uncertain significance.